The following is an entry in ClinVar:

NM_000642.3(AGL):c.3890T>G (p.Leu1297Trp)

Gene: AGL (amylo-alpha-1,6-glucosidase and 4-alpha-glucanotransferase; plus strand). Cytogenetic location: 1p21.2.
Variant type: single nucleotide variant.
Coding change: c.3890T>G on transcript NM_000642.3 (MANE Select); coding-DNA position 3890, T replaced by G.
Protein change: p.Leu1297Trp; replaces leucine 1297 with tryptophan.
Molecular consequence: missense variant.
Genome position (GRCh38, 1-based): chr1:99,912,458, T>G. VCF-style: chr1-99912458-T-G. GRCh37 (hg19) VCF-style: chr1-100378014-T-G.
Other names: p.Leu1297Trp; c.3890T>G, p.Leu1297Trp (NM_000028.3, NM_000643.3, NM_000644.3 and 1 more transcripts); c.3842T>G, p.Leu1281Trp (NM_000646.3); c.3869T>G, p.Leu1290Trp (NM_001425326.1); c.3689T>G, p.Leu1230Trp (NM_001425327.1); c.3686T>G, p.Leu1229Trp (NM_001425328.1); c.3551T>G, p.Leu1184Trp (NM_001425329.1); c.3512T>G, p.Leu1171Trp (NM_001425332.1); short protein forms L1297W, L1281W, L1171W, L1184W, L1229W, L1230W, L1290W.
Identifiers: ClinVar variation 526593 (VCV000526593.13), dbSNP rs749445010, ClinGen allele CA967257.

ClinVar aggregate classification (germline): Uncertain significance. Review status: criteria provided, multiple submitters, no conflicts (2 of 4 stars). 6 submissions from 6 submitters: Uncertain significance (5). 1 of the submissions does not count toward it. Last evaluated 2023-04-11.

Conditions:
Glycogen storage disease type III (GSD3). Also called: Cori disease; FORBES DISEASE. Identifiers: Orphanet 366, MedGen C0017922, MONDO:0009291, OMIM 232400.

Allele frequency attached by ClinVar (database versions not stated): ExAC 0.00001; gnomAD exomes 0.00002 and 0.00003; TOPMed 0.00002; gnomAD 0.00003 and 0.00004.
gnomAD v4.1: 46 of 1,613,974 alleles (0.0029%); highest among the groups gnomAD compares: Non-Finnish European, 0.0038%; no homozygotes.

Submissions (6):

Genome-Nilou Lab
Classification: Uncertain significance for Glycogen storage disease type III. Last evaluated: 2023-04-11. Review status: criteria provided, single submitter. Criteria: ACMG Guidelines, 2015. Collection method: clinical testing. Allele origin: germline. Affected: no.

GeneDx
Classification: Uncertain significance. Last evaluated: 2022-09-26. Review status: criteria provided, single submitter. Criteria: GeneDx Variant Classification Process June 2021. Collection method: clinical testing. Allele origin: germline. Affected: yes.
Comment: Not observed at significant frequency in large population cohorts (gnomAD); In silico analysis supports that this missense variant has a deleterious effect on protein structure/function; Has not been previously published as pathogenic or benign to our knowledge

Labcorp Genetics (formerly Invitae), Labcorp
Classification: Uncertain significance for Glycogen storage disease type III. Last evaluated: 2022-08-15. Review status: criteria provided, single submitter. Criteria: Invitae Variant Classification Sherloc (09022015). Collection method: clinical testing. Allele origin: germline.
Comment: This sequence change replaces leucine, which is neutral and non-polar, with tryptophan, which is neutral and slightly polar, at codon 1297 of the AGL protein (p.Leu1297Trp). This variant is present in population databases (rs749445010, gnomAD 0.003%). This variant has not been reported in the literature in individuals affected with AGL-related conditions. ClinVar contains an entry for this variant (Variation ID: 526593). Algorithms developed to predict the effect of missense changes on protein structure and function are either unavailable or do not agree on the potential impact of this missense change (SIFT: "Deleterious"; PolyPhen-2: "Probably Damaging"; Align-GVGD: "Class C15"). In summary, the available evidence is currently insufficient to determine the role of this variant in disease. Therefore, it has been classified as a Variant of Uncertain Significance.

Mayo Clinic Laboratories, Mayo Clinic
Classification: Uncertain significance. Last evaluated: 2021-12-02. Review status: criteria provided, single submitter. Criteria: ACMG Guidelines, 2015. Collection method: clinical testing. Allele origin: germline.

Fulgent Genetics
Classification: Uncertain significance for Glycogen storage disease type III. Last evaluated: 2021-07-25. Review status: criteria provided, single submitter. Criteria: ACMG Guidelines, 2015. Collection method: clinical testing. Allele origin: unknown.

Natera, Inc.
Classification: Uncertain significance for Glycogen storage disease type III. Last evaluated: 2019-10-28. Review status: no assertion criteria provided. Collection method: clinical testing. Allele origin: germline. Not counted in ClinVar's aggregate classification.